The following is an entry in ClinVar:

ClinVar aggregate classification (germline): Pathogenic/Likely pathogenic. Review status: criteria provided, multiple submitters, no conflicts (2 of 4 stars). 3 submissions from 3 submitters: Pathogenic (1); Likely pathogenic (2). Last evaluated 2025-11-25.

Conditions:
Craniofacial dysmorphism, skeletal anomalies, and impaired intellectual development 1 (CFSMR1). Also called: Cerebrofaciothoracic dysplasia. Identifiers: Orphanet 1394, MedGen C5677021, MONDO:0800436, OMIM 213980.

gnomAD v4.1: 4 of 1,613,428 alleles (0.00025%); highest among the groups gnomAD compares: Non-Finnish European, 0.00025%; no homozygotes.

Submissions (3):

Variantyx, Inc.
Classification: Likely pathogenic for Craniofacial dysmorphism, skeletal anomalies, and impaired intellectual development 1. Last evaluated: 2025-11-25. Review status: criteria provided, single submitter. Criteria: Variantyx Assertion Criteria 2022. Collection method: clinical testing. Allele origin: germline. Inheritance: Autosomal recessive inheritance. Affected: no.
Comment: This is a nonsense variant in the TMCO1 gene (OMIM: 614123). Pathogenic variants in this gene have been associated with autosomal recessive craniofacial dysmorphism, skeletal anomalies, and impaired intellectual development syndrome 1. This variant introduces a premature termination codon in exon 6 out of 7 and is expected to result in loss of function, which is a known disease mechanism for TMCO1 in this disorder (PMID: 23320496, 24194475, 24424126) (PVS1). This variant has a 0.0003% maximum allele frequency in non-founder control populations (PM2). Based on the current evidence, this variant is classified as likely pathogenic for autosomal recessive craniofacial dysmorphism, skeletal anomalies, and impaired intellectual development syndrome 1.

Laboratorio de Genetica e Diagnostico Molecular, Hospital Israelita Albert Einstein
Classification: Likely pathogenic for Craniofacial dysmorphism, skeletal anomalies, and impaired intellectual development 1. Last evaluated: 2025-06-06. Review status: criteria provided, single submitter. Criteria: ACMG Guidelines, 2015. Collection method: clinical testing. Allele origin: germline. Affected: yes.
Comment: ACMG classification criteria: PVS1 very strong, PM2 supporting

Labcorp Genetics (formerly Invitae), Labcorp
Classification: Pathogenic. Last evaluated: 2024-07-10. Review status: criteria provided, single submitter. Criteria: Invitae Variant Classification Sherloc (09022015). Collection method: clinical testing. Allele origin: germline.
Comment: This sequence change creates a premature translational stop signal (p.Gln177*) in the TMCO1 gene. It is expected to result in an absent or disrupted protein product. Loss-of-function variants in TMCO1 are known to be pathogenic (PMID: 20018682, 23320496, 24194475, 24424126). This variant is not present in population databases (gnomAD no frequency). This variant has not been reported in the literature in individuals affected with TMCO1-related conditions. For these reasons, this variant has been classified as Pathogenic.

Literature cited by the submitters: PubMed 23320496 (cited by Variantyx, Inc. and Labcorp Genetics (formerly Invitae), Labcorp); PubMed 24194475 (cited by Variantyx, Inc. and Labcorp Genetics (formerly Invitae), Labcorp); PubMed 24424126 (cited by Variantyx, Inc. and Labcorp Genetics (formerly Invitae), Labcorp); PubMed 20018682 (cited by Labcorp Genetics (formerly Invitae), Labcorp).

NM_019026.6(TMCO1):c.376C>T (p.Gln126Ter)

Gene: TMCO1 (transmembrane and coiled-coil domains 1; minus strand). Cytogenetic location: 1q24.1.
Variant type: single nucleotide variant.
Coding change: c.376C>T on transcript NM_019026.6 (MANE Select); coding-DNA position 376, C replaced by T.
Protein change: p.Gln126Ter; replaces glutamine 126 with a stop codon.
Molecular consequence: nonsense. On other transcripts: non-coding transcript variant (1).
Genome position (GRCh38, 1-based): chr1:165,743,259, G>A on the plus strand (C>T on the coding strand, the complement: TMCO1 is on the minus strand). VCF-style: chr1-165743259-G-A. GRCh37 (hg19) VCF-style: chr1-165712496-G-A.
Other names: c.427C>T, p.Gln143Ter (NM_001256164.1); c.340C>T, p.Gln114Ter (NM_001256165.1); short protein forms Q114*, Q126*, Q143*.
Identifiers: ClinVar variation 3616104 (VCV003616104.3).